The following is an entry in ClinVar:

ClinVar aggregate classification (germline): Benign/Likely benign. Review status: criteria provided, multiple submitters, no conflicts (2 of 4 stars). 5 submissions from 5 submitters: Benign (2); Likely benign (2). 1 of the submissions does not count toward it. Last evaluated 2026-02-01.

Conditions:
ZNF335-related disorder. Also called: ZNF335-related condition.
Microcephalic primordial dwarfism due to ZNF335 deficiency. Also called: Primary autosomal recessive microcephaly 10. Identifiers: Orphanet 329228, MedGen C3554499, MONDO:0014043, OMIM 615095.

Allele frequency attached by ClinVar (database versions not stated): ExAC 0.00234; gnomAD 0.00775 and 0.00829; 1000 Genomes Project 0.00819; 1000 Genomes Project 30x 0.00859; TOPMed 0.00863; ESP Exome Variant Server 0.01000.
gnomAD v4.1: 2,453 of 1,614,124 alleles (0.15%); highest among the groups gnomAD compares: African/African-American, 2.8%; 33 homozygotes.

Submissions (5):

Labcorp Genetics (formerly Invitae), Labcorp
Classification: Benign. Last evaluated: 2026-02-01. Review status: criteria provided, single submitter. Criteria: Invitae Variant Classification Sherloc (09022015). Collection method: clinical testing. Allele origin: germline.

Genome-Nilou Lab
Classification: Benign for Microcephalic primordial dwarfism due to ZNF335 deficiency. Last evaluated: 2021-12-05. Review status: criteria provided, single submitter. Criteria: ACMG Guidelines, 2015. Collection method: clinical testing. Allele origin: germline. Affected: no.

GeneDx
Classification: Likely benign. Last evaluated: 2021-03-31. Review status: criteria provided, single submitter. Criteria: GeneDx Variant Classification Process June 2021. Collection method: clinical testing. Allele origin: germline. Affected: yes.

Breakthrough Genomics
Classification: Likely benign. Review status: criteria provided, single submitter. Criteria: ACMG Guidelines, 2015. Collection method: not provided. Allele origin: germline. Inheritance: Autosomal recessive inheritance. Affected: yes.

PreventionGenetics, part of Exact Sciences
Classification: Benign for ZNF335-related condition. Last evaluated: 2020-01-02. Review status: no assertion criteria provided. Collection method: clinical testing. Allele origin: germline. Not counted in ClinVar's aggregate classification.
Comment: This variant is classified as benign based on ACMG/AMP sequence variant interpretation guidelines (Richards et al. 2015 PMID: 25741868, with internal and published modifications).

NM_022095.4(ZNF335):c.3800C>A (p.Pro1267Gln)

Gene: ZNF335 (zinc finger protein 335; minus strand). Cytogenetic location: 20q13.12.
Variant type: single nucleotide variant.
Coding change: c.3800C>A on transcript NM_022095.4 (MANE Select); coding-DNA position 3800, C replaced by A.
Protein change: p.Pro1267Gln; replaces proline 1267 with glutamine.
Molecular consequence: missense variant.
Genome position (GRCh38, 1-based): chr20:45,949,352, G>T on the plus strand (C>A on the coding strand, the complement: ZNF335 is on the minus strand). VCF-style: chr20-45949352-G-T. GRCh37 (hg19) VCF-style: chr20-44577991-G-T.
Other names: short protein forms P1267Q.
Identifiers: ClinVar variation 791209 (VCV000791209.15), dbSNP rs113958814, ClinGen allele CA9884848.
Genomic context (GRCh38, chr20:45,949,352, plus strand): 5'-CTGCCTGTGCCCCAGGTCTCCCTGTCCCCCCACGGCCCTACCTGGGACTCCTGAAGGAAC[G>T]GGGCTCCTTGTTCATACTGGATGTGTGTGATCTGGCCCTCCTGTACCTGCAGAGAGGAAG-3'
Protein context (NP_071378.1, residues 1257-1277): ITHIQYEQGA[Pro1267Gln]FLQESQIQYV